The following is an entry in ClinVar:

NM_000051.4(ATM):c.2861T>C (p.Leu954Pro)

Gene: ATM (ATM serine/threonine kinase; plus strand). Cytogenetic location: 11q22.3.
Variant type: single nucleotide variant.
Coding change: c.2861T>C on transcript NM_000051.4 (MANE Select); coding-DNA position 2861, T replaced by C.
Protein change: p.Leu954Pro; replaces leucine 954 with proline.
Molecular consequence: missense variant.
Genome position (GRCh38, 1-based): chr11:108,271,086, T>C. VCF-style: chr11-108271086-T-C. GRCh37 (hg19) VCF-style: chr11-108141813-T-C.
Other names: c.2861T>C, p.Leu954Pro (NM_001351834.2); short protein forms L954P.
Identifiers: ClinVar variation 2124007 (VCV002124007.4), dbSNP rs1555084648, ClinGen allele CA382546764.

ClinVar aggregate classification (germline): Uncertain significance (1 of 4 stars; one submission).

Conditions:
Ataxia-telangiectasia syndrome (AT). Also called: Cerebello-oculocutaneous telangiectasia; Immunodeficiency with ataxia telangiectasia; Ataxia-telangiectasia, complementation group D; Ataxia telangiectasia (A-T); ATAXIA-TELANGIECTASIA, COMPLEMENTATION GROUP A; ATAXIA-TELANGIECTASIA, FRESNO VARIANT. Identifiers: Orphanet 100, MedGen C0004135, MONDO:0008840, OMIM 208900.

Submission:

Labcorp Genetics (formerly Invitae), Labcorp
Classification: Uncertain significance for Ataxia-telangiectasia syndrome. Last evaluated: 2022-04-10. Review status: criteria provided, single submitter. Criteria: Invitae Variant Classification Sherloc (09022015). Collection method: clinical testing. Allele origin: germline.
Comment: In summary, the available evidence is currently insufficient to determine the role of this variant in disease. Therefore, it has been classified as a Variant of Uncertain Significance. Advanced modeling of protein sequence and biophysical properties (such as structural, functional, and spatial information, amino acid conservation, physicochemical variation, residue mobility, and thermodynamic stability) performed at Invitae indicates that this missense variant is not expected to disrupt ATM protein function. This variant has not been reported in the literature in individuals affected with ATM-related conditions. This variant is not present in population databases (gnomAD no frequency). This sequence change replaces leucine, which is neutral and non-polar, with proline, which is neutral and non-polar, at codon 954 of the ATM protein (p.Leu954Pro).